The following is an entry in ClinVar:

NM_003036.4(SKI):c.1705A>G (p.Met569Val)

Gene: SKI (SKI proto-oncogene; plus strand). Cytogenetic location: 1p36.32.
Variant type: single nucleotide variant.
Coding change: c.1705A>G on transcript NM_003036.4 (MANE Select); coding-DNA position 1705, A replaced by G.
Protein change: p.Met569Val; replaces methionine 569 with valine.
Molecular consequence: missense variant.
Genome position (GRCh38, 1-based): chr1:2,304,523, A>G. VCF-style: chr1-2304523-A-G. GRCh37 (hg19) VCF-style: chr1-2235962-A-G.
Other names: short protein forms M569V.
Identifiers: ClinVar variation 2566889 (VCV002566889.4), dbSNP rs1390123596, ClinGen allele CA337957778.

ClinVar aggregate classification (germline): Uncertain significance. Review status: criteria provided, multiple submitters, no conflicts (2 of 4 stars). 3 submissions from 3 submitters: Uncertain significance (3). Last evaluated 2025-02-23.

Conditions:
Familial thoracic aortic aneurysm and aortic dissection (TAAD). Also called: Thoracic aortic aneurysms and dissections. Identifiers: Orphanet 91387, MedGen C4707243, MONDO:0019625.
Shprintzen-Goldberg syndrome (SGS). Also called: SHPRINTZEN-GOLDBERG CRANIOSYNOSTOSIS SYNDROME; CRANIOSYNOSTOSIS WITH ARACHNODACTYLY AND ABDOMINAL HERNIAS; Marfanoid disorder with craniosynostosis type 1; Marfanoid craniosynostosis syndrome; Shprintzen-Goldberg marfanoid syndrome. Identifiers: Orphanet 2462, MedGen C1321551, MONDO:0008426, OMIM 182212.

Allele frequency attached by ClinVar (database versions not stated): gnomAD 0.00001; TOPMed 0.00001.
gnomAD v4.1: 2 of 1,582,072 alleles (0.00013%); highest among the groups gnomAD compares: African/African-American, 0.0027%; no homozygotes.

Submissions (3):

Labcorp Genetics (formerly Invitae), Labcorp
Classification: Uncertain significance for Shprintzen-Goldberg syndrome. Last evaluated: 2025-02-23. Review status: criteria provided, single submitter. Criteria: Invitae Variant Classification Sherloc (09022015). Collection method: clinical testing. Allele origin: germline.
Comment: This sequence change replaces methionine, which is neutral and non-polar, with valine, which is neutral and non-polar, at codon 569 of the SKI protein (p.Met569Val). This variant is not present in population databases (gnomAD no frequency). This variant has not been reported in the literature in individuals affected with SKI-related conditions. ClinVar contains an entry for this variant (Variation ID: 2566889). Invitae Evidence Modeling of protein sequence and biophysical properties (such as structural, functional, and spatial information, amino acid conservation, physicochemical variation, residue mobility, and thermodynamic stability) has been performed for this missense variant. However, the output from this modeling did not meet the statistical confidence thresholds required to predict the impact of this variant on SKI protein function. In summary, the available evidence is currently insufficient to determine the role of this variant in disease. Therefore, it has been classified as a Variant of Uncertain Significance.

Revvity Omics, Revvity
Classification: Uncertain significance for Shprintzen-Goldberg syndrome. Last evaluated: 2024-12-01. Review status: criteria provided, single submitter. Criteria: ACMG Guidelines, 2015. Collection method: clinical testing. Allele origin: germline.

Ambry Genetics
Classification: Uncertain significance for Familial thoracic aortic aneurysm and aortic dissection. Last evaluated: 2023-04-03. Review status: criteria provided, single submitter. Criteria: Ambry Variant Classification Scheme 2023. Collection method: clinical testing. Allele origin: germline.
Comment: The p.M569V variant (also known as c.1705A>G), located in coding exon 5 of the SKI gene, results from an A to G substitution at nucleotide position 1705. The methionine at codon 569 is replaced by valine, an amino acid with highly similar properties. This amino acid position is conserved. In addition, this alteration is predicted to be deleterious by in silico analysis. Since supporting evidence is limited at this time, the clinical significance of this alteration remains unclear.